The following is an entry in ClinVar:

ClinVar aggregate classification (germline): Benign/Likely benign. Review status: criteria provided, multiple submitters, no conflicts (2 of 4 stars). 13 submissions from 13 submitters: Benign (4); Likely benign (4). 5 of the submissions do not count toward it. Last evaluated 2026-06-01.

Conditions:
Glycine encephalopathy. Also called: Nonketotic hyperglycinemia; Non-ketotic hyperglycinemia. Identifiers: Orphanet 407, MedGen C0751748, MONDO:0011612, HP:0008288.

Allele frequency attached by ClinVar (database versions not stated): 1000 Genomes Project 30x 0.00109; 1000 Genomes Project 0.00140; TOPMed 0.00274; ESP Exome Variant Server 0.00377; gnomAD 0.00400 and 0.00419.
gnomAD v4.1: 7,921 of 1,609,056 alleles (0.49%); highest among the groups gnomAD compares: Non-Finnish European, 0.53%; 42 homozygotes.

Submissions (13):

CeGaT Center for Human Genetics Tuebingen
Classification: Likely benign. Last evaluated: 2026-06-01. Review status: criteria provided, single submitter. Criteria: CeGaT Center For Human Genetics Tuebingen Variant Classification Criteria Version 2. Collection method: clinical testing. Allele origin: germline. Affected: yes. Observed: 13 variant alleles.
Comment: GLDC: BS2

Labcorp Genetics (formerly Invitae), Labcorp
Classification: Benign for Glycine encephalopathy. Last evaluated: 2026-02-03. Review status: criteria provided, single submitter. Criteria: Invitae Variant Classification Sherloc (09022015). Collection method: clinical testing. Allele origin: germline.

Athena Diagnostics
Classification: Benign. Last evaluated: 2025-02-10. Review status: criteria provided, single submitter. Criteria: Athena Diagnostics Criteria. Collection method: clinical testing. Allele origin: unknown.
Comment: The frequency of this variant in the general population is higher than would generally be expected for pathogenic variants in this gene.

Women's Health and Genetics/Laboratory Corporation of America, LabCorp
Classification: Benign. Last evaluated: 2022-06-27. Review status: criteria provided, single submitter. Criteria: LabCorp Variant Classification Summary - May 2015. Collection method: clinical testing. Allele origin: germline.
Comment: Variant summary: GLDC c.1705G>A (p.Ala569Thr) results in a non-conservative amino acid change in the encoded protein sequence. Three of five in-silico tools predict a benign effect of the variant on protein function. The variant allele was found at a frequency of 0.0043 in 252282 control chromosomes in the gnomAD database, including 8 homozygotes. The observed variant frequency is approximately 2-fold of the estimated maximal expected allele frequency for a pathogenic variant in GLDC causing Glycine Encephalopathy (Non-Ketotic Hyperglycinemia) phenotype (0.0031), strongly suggesting that the variant is benign. c.1705G>A has been reported in the literature in individuals affected with Glycine Encephalopathy (Non-Ketotic Hyperglycinemia) without strong evidence for causality (e.g. Kure_2006, Narisawa_2012, Swanson_2015). Functional studies assessing the impact of the variant on protein function have reported 40-75% enzyme activity and normal protein levels (Swanson_2015, Narisawa_2012). Nine assessments for this variant have been submitted to ClinVar after 2014 with conflicting assessments (benign n=3, likely benign n=4, VUS n=1, likely pathogenic n=1). Based on the evidence outlined above, the variant was classified as benign.

Institute of Human Genetics, University of Leipzig Medical Center
Classification: Likely benign for Glycine encephalopathy 1. Last evaluated: 2019-01-01. Review status: criteria provided, single submitter. Criteria: ACMG Guidelines, 2015. Collection method: clinical testing. Allele origin: unknown. Affected: yes.

GeneDx
Classification: Benign. Last evaluated: 2018-07-04. Review status: criteria provided, single submitter. Criteria: GeneDx Variant Classification Process June 2021. Collection method: clinical testing. Allele origin: germline. Affected: yes.
Comment: This variant is associated with the following publications: (PMID: 26179960, 22171071, 16450403, 27362913)

Illumina Laboratory Services, Illumina
Classification: Likely benign for Glycine encephalopathy 1. Last evaluated: 2017-04-27. Review status: criteria provided, single submitter. Criteria: ICSL Variant Classification Criteria 13 December 2019. Collection method: clinical testing. Allele origin: germline.
Comment: This variant was observed as part of a predisposition screen in an ostensibly healthy population. A literature search was performed for the gene, cDNA change, and amino acid change (where applicable). Publications were found based on this search. The evidence from the literature, in combination with allele frequency data from public databases where available, was sufficient to determine this variant is unlikely to cause disease. Therefore, this variant is classified as likely benign.

Center for Pediatric Genomic Medicine, Children's Mercy Hospital and Clinics
Classification: Likely benign. Last evaluated: 2016-04-12. Review status: criteria provided, single submitter. Criteria: ACMG Guidelines, 2015. Collection method: clinical testing. Allele origin: germline.
ClinVar note: Converted during submission from Likely Benign to Likely benign.

Diagnostic Laboratory, Department of Genetics, University Medical Center Groningen
Classification: Benign for Glycine encephalopathy 1. Review status: no assertion criteria provided. Collection method: clinical testing. Allele origin: germline. Affected: yes. Study: VKGL Data-share Consensus. Not counted in ClinVar's aggregate classification.

Genome Diagnostics Laboratory, University Medical Center Utrecht
Classification: Likely benign. Review status: no assertion criteria provided. Collection method: clinical testing. Allele origin: germline. Affected: yes. Study: VKGL Data-share Consensus. Not counted in ClinVar's aggregate classification.

Laboratory of Diagnostic Genome Analysis, Leiden University Medical Center (LUMC)
Classification: Likely benign. Review status: no assertion criteria provided. Collection method: clinical testing. Allele origin: germline. Affected: yes. Study: VKGL Data-share Consensus. Not counted in ClinVar's aggregate classification.

Natera, Inc.
Classification: Uncertain significance for Non-ketotic hyperglycinemia. Last evaluated: 2019-10-09. Review status: flagged submission. Collection method: clinical testing. Allele origin: germline. Not counted in ClinVar's aggregate classification.
ClinVar note: Reason: Outlier claim with insufficient supporting evidence

Knight Diagnostic Laboratories, Oregon Health and Sciences University
Classification: Likely pathogenic for Glycine encephalopathy 1. Last evaluated: 2016-03-30. Review status: flagged submission. Criteria: ACMG Guidelines, 2015. Collection method: clinical testing. Allele origin: germline. Affected: no. Study: CSER-NextGen. Not counted in ClinVar's aggregate classification.
Comment: The c.1705G>A (p.Ala569Thr) missense variant in the GLDC gene is known and has been previously reported in at least 7 individuals affected with Glycine encephalopathy (Kure et al., 2006; Narisawa et al., 2012; Swanson et al., 2015). This variant has often been described in trans with another pathogenic variant (Pro765Ser, Pro304Leu) (Kure et al., 2006; Swanson et al., 2015). Multiple in vitro functional assays have demonstrated this variant results in reduced or undetectable GLDC activity (Narisawa et al., 2012; Swanson et al., 2015). This variant is reported at low frequency in the population databases (Exome Sequencing Project = 0.558%; 1000 Genomes = 0.7%; and ExAC = 0.454%). Therefore, this collective evidence supports the classification of the c.1705G>A (p.Ala569Thr) as a recessive Likely pathogenic variant for Glycine encephalopathy. We have confirmed this finding in our laboratory using Sanger sequencing.
ClinVar note: Reason: Outlier claim with insufficient supporting evidence

Literature cited by the submitters: PubMed 16450403 (cited by 3 submitters); PubMed 27362913 (cited by Athena Diagnostics and Women's Health and Genetics/Laboratory Corporation of America, LabCorp); PubMed 22171071 (cited by 3 submitters); PubMed 26179960 (cited by Athena Diagnostics and Women's Health and Genetics/Laboratory Corporation of America, LabCorp); PubMed 26969502 (cited by Athena Diagnostics).

NM_000170.3(GLDC):c.1705G>A (p.Ala569Thr)

Gene: GLDC (glycine decarboxylase; minus strand). Cytogenetic location: 9p24.1.
Variant type: single nucleotide variant.
Coding change: c.1705G>A on transcript NM_000170.3 (MANE Select); coding-DNA position 1705, G replaced by A.
Protein change: p.Ala569Thr; replaces alanine 569 with threonine.
Molecular consequence: missense variant.
Genome position (GRCh38, 1-based): chr9:6,588,403, C>T on the plus strand (G>A on the coding strand, the complement: GLDC is on the minus strand). VCF-style: chr9-6588403-C-T. GRCh37 (hg19) VCF-style: chr9-6588403-C-T.
Other names: short protein forms A569T.
Identifiers: ClinVar variation 235431 (VCV000235431.64), dbSNP rs151268759, ClinGen allele CA4980567.